The following is an entry in ClinVar:

NM_004357.5(CD151):c.24_26del (p.Thr10del)

Gene: CD151 (CD151 molecule (Raph blood group); plus strand). Cytogenetic location: 11p15.5.
Variant type: Deletion.
Coding change: c.24_26del on transcript NM_004357.5 (MANE Select); coding-DNA positions 24 to 26, 3 bases deleted (GAC; older notation c.24_26delGAC).
Protein change: p.Thr10del; deletes threonine 10.
Molecular consequence: inframe deletion.
Genome position (GRCh38, 1-based): chr11:836,093-836,095, GAC deleted. VCF-style (leftmost placement, unchanged base first): chr11-836092-AGAC-A. GRCh37 (hg19) VCF-style: chr11-836092-AGAC-A.
Other names: c.24_26del, p.Thr10del (NM_001039490.2, NM_139029.2, NM_139030.4); short protein forms T10del.
Identifiers: ClinVar variation 1917762 (VCV001917762.5), dbSNP rs780763258, ClinGen allele CA5792013.

ClinVar aggregate classification (germline): Uncertain significance (1 of 4 stars; one submission).

Allele frequency attached by ClinVar (database versions not stated): gnomAD 0.00001; TOPMed 0.00002; ExAC 0.00009; gnomAD exomes 0.00003; ESP Exome Variant Server 0.00008.

Submission:

Labcorp Genetics (formerly Invitae), Labcorp
Classification: Uncertain significance. Last evaluated: 2022-05-18. Review status: criteria provided, single submitter. Criteria: Invitae Variant Classification Sherloc (09022015). Collection method: clinical testing. Allele origin: germline.
Comment: In summary, the available evidence is currently insufficient to determine the role of this variant in disease. Therefore, it has been classified as a Variant of Uncertain Significance. Experimental studies and prediction algorithms are not available or were not evaluated, and the functional significance of this variant is currently unknown. This variant has not been reported in the literature in individuals affected with CD151-related conditions. This variant is present in population databases (rs780763258, gnomAD 0.2%), and has an allele count higher than expected for a pathogenic variant. This variant, c.24_26del, results in the deletion of 1 amino acid(s) of the CD151 protein (p.Thr10del), but otherwise preserves the integrity of the reading frame.